The following is an entry in ClinVar:

ClinVar aggregate classification (germline): Pathogenic (1 of 4 stars; one submission).

Submission:

Labcorp Genetics (formerly Invitae), Labcorp
Classification: Pathogenic. Last evaluated: 2024-09-28. Review status: criteria provided, single submitter. Criteria: Invitae Variant Classification Sherloc (09022015). Collection method: clinical testing. Allele origin: germline.
Comment: This sequence change creates a premature translational stop signal (p.His1364Glnfs*23) in the ADAMTS13 gene. While this is not anticipated to result in nonsense mediated decay, it is expected to disrupt the last 64 amino acid(s) of the ADAMTS13 protein. This variant is not present in population databases (gnomAD no frequency). This variant has not been reported in the literature in individuals affected with ADAMTS13-related conditions. Algorithms developed to predict the effect of sequence changes on RNA splicing suggest that this variant may disrupt the consensus splice site. This variant disrupts a region of the ADAMTS13 protein in which other variant(s) (p.Glu1382Argfs*6) have been determined to be pathogenic (PMID: 12434890, 22529288, 23346910, 29554699). This suggests that this is a clinically significant region of the protein, and that variants that disrupt it are likely to be disease-causing. For these reasons, this variant has been classified as Pathogenic.

Literature cited by the submitters: PubMed 12434890; PubMed 22529288; PubMed 23346910; PubMed 29554699.

NM_139027.6(ADAMTS13):c.3921_3922del (p.His1308fs)

Gene: ADAMTS13 (ADAM metallopeptidase with thrombospondin type 1 motif 13; plus strand). Cytogenetic location: 9q34.2.
Variant type: Deletion.
Coding change: c.3921_3922del on transcript NM_139027.6 (MANE Select); coding-DNA positions 3921 to 3922, 2 bases deleted (CC; older notation c.3921_3922delCC).
Protein change: p.His1308fs; shifts the reading frame from histidine 1308.
Molecular consequence: frameshift variant. On other transcripts: non-coding transcript variant (1).
Genome position (GRCh38, 1-based): chr9:133,458,985-133,458,986, CC deleted; deleting any 2 consecutive bases within chr9:133,458,984-133,458,986 gives the same sequence; the c. name uses the placement nearest the transcript's 3' end. VCF-style (leftmost placement, unchanged base first): chr9-133458983-ACC-A. GRCh37 (hg19) VCF-style: chr9-136324105-ACC-A.
Other names: c.4089_4090del, p.His1364fs (NM_139025.5); c.3828_3829del, p.His1277fs (NM_139026.6); short protein forms H1277fs, H1308fs, H1364fs.
Identifiers: ClinVar variation 3620946 (VCV003620946.2).
Genomic context (GRCh38, chr9:133,458,983, plus strand): 5'-TGCTAATTATTACTTGTGGCCGGTCCTTCTGGGCTGCCCCTTTTCTCTCAGATCCGGGAC[ACC>A]CACAGCTTGAGGACCACAGCGTTCCATGGGCAGCAGGTGCTCTACTGGGAGTCAGAGAGC-3'